The following is an entry in ClinVar:

ClinVar aggregate classification (germline): Uncertain significance (1 of 4 stars; one submission).

Submission:

Labcorp Genetics (formerly Invitae), Labcorp
Classification: Uncertain significance. Last evaluated: 2025-10-16. Review status: criteria provided, single submitter. Criteria: Invitae Variant Classification Sherloc (09022015). Collection method: clinical testing. Allele origin: germline.
Comment: This sequence change replaces threonine, which is neutral and polar, with alanine, which is neutral and non-polar, at codon 115 of the HOXB13 protein (p.Thr115Ala). This variant is not present in population databases (gnomAD no frequency). This variant has not been reported in the literature in individuals affected with HOXB13-related conditions. Invitae Evidence Modeling of protein sequence and biophysical properties (such as structural, functional, and spatial information, amino acid conservation, physicochemical variation, residue mobility, and thermodynamic stability) indicates that this missense variant is not expected to disrupt HOXB13 protein function with a negative predictive value of 80%. In summary, the available evidence is currently insufficient to determine the role of this variant in disease. Therefore, it has been classified as a Variant of Uncertain Significance.

NM_006361.6(HOXB13):c.343A>G (p.Thr115Ala)

Gene: HOXB13 (homeobox B13; minus strand). Cytogenetic location: 17q21.32.
Variant type: single nucleotide variant.
Coding change: c.343A>G on transcript NM_006361.6 (MANE Select); coding-DNA position 343, A replaced by G.
Protein change: p.Thr115Ala; replaces threonine 115 with alanine.
Molecular consequence: missense variant.
Genome position (GRCh38, 1-based): chr17:48,728,251, T>C on the plus strand (A>G on the coding strand, the complement: HOXB13 is on the minus strand). VCF-style: chr17-48728251-T-C. GRCh37 (hg19) VCF-style: chr17-46805613-T-C.
Other names: short protein forms T115A.
Identifiers: ClinVar variation 4754515 (VCV004754515.1).
Genomic context (GRCh38, chr17:48,728,251, plus strand): 5'-CCGGATATCCCGGATAGAAGGCAAACTCAGTGGGGCGGCTGGGGTACTCTTCCCCGGCCG[T>C]GGGAGTCTCCGCGGGGTACGCGGCCAGGGTGGCTGCCTGGGCACAGGGTTTCAGCGAGCT-3'
Protein context (NP_006352.2, residues 105-125): TLAAYPAETP[Thr115Ala]AGEEYPSRPT